The following is an entry in ClinVar:

ClinVar aggregate classification (germline): Pathogenic (1 of 4 stars; one submission).

Conditions:
Familial cancer of breast. Also called: Hereditary breast cancer; BREAST CANCER, FAMILIAL; hereditary breast carcinoma. Identifiers: Orphanet 227535, MedGen C0346153, MONDO:0016419, OMIM 114480. Disease mechanism: loss of function.

Submission:

Myriad Genetics, Inc.
Classification: Pathogenic for Familial cancer of breast. Last evaluated: 2023-06-22. Review status: criteria provided, single submitter. Criteria: Myriad Autosomal Dominant, Autosomal Recessive and X-Linked Classification Criteria (2023). Collection method: clinical testing. Allele origin: unknown.
Comment: This variant is considered pathogenic. This variant creates a frameshift predicted to result in premature protein truncation.

NM_007194.4(CHEK2):c.149del (p.Ser50fs)

Gene: CHEK2 (checkpoint kinase 2; minus strand). Cytogenetic location: 22q12.1.
Variant type: Deletion.
Coding change: c.149del on transcript NM_007194.4 (MANE Select); coding-DNA position 149, one base deleted (G; older notation c.149delG).
Protein change: p.Ser50fs; shifts the reading frame from serine 50.
Molecular consequence: frameshift variant.
Genome position (GRCh38, 1-based): chr22:28,734,573, C deleted on the plus strand (G on the coding strand, the reverse complement: CHEK2 is on the minus strand). VCF-style (leftmost placement, unchanged base first): chr22-28734572-GC-G. GRCh37 (hg19) VCF-style: chr22-29130560-GC-G.
Other names: c.149delG, p.Ser50Thrfs (NM_001005735.3, NM_001349956.3, NM_145862.3); c.-629delG (NM_001257387.3); short protein forms S50fs.
Identifiers: ClinVar variation 2583566 (VCV002583566.2), dbSNP rs2518131949, ClinGen allele CA2582342767.